The following is an entry in ClinVar:

ClinVar aggregate classification (germline): Uncertain significance (1 of 4 stars; one submission).

Conditions:
Mitochondrial trifunctional protein deficiency. Identifiers: Orphanet 746, MedGen C1969443, MONDO:0012172.
Long chain 3-hydroxyacyl-CoA dehydrogenase deficiency. Also called: LCHAD Deficiency; Deficiency of long-chain 3-hydroxyacyl-coenzyme A dehydrogenase. Identifiers: Orphanet 5, MedGen C3711645, MONDO:0012173, OMIM 609016.

Submission:

Labcorp Genetics (formerly Invitae), Labcorp
Classification: Uncertain significance for Mitochondrial trifunctional protein deficiency; Long chain 3-hydroxyacyl-CoA dehydrogenase deficiency. Last evaluated: 2025-12-25. Review status: criteria provided, single submitter. Criteria: Invitae Variant Classification Sherloc (09022015). Collection method: clinical testing. Allele origin: germline.
Comment: This sequence change replaces leucine, which is neutral and non-polar, with tryptophan, which is neutral and slightly polar, at codon 264 of the HADHA protein (p.Leu264Trp). This variant is not present in population databases (gnomAD no frequency). This variant has not been reported in the literature in individuals affected with HADHA-related conditions. Invitae Evidence Modeling of protein sequence and biophysical properties (such as structural, functional, and spatial information, amino acid conservation, physicochemical variation, residue mobility, and thermodynamic stability) indicates that this missense variant is not expected to disrupt HADHA protein function with a negative predictive value of 80%. In summary, the available evidence is currently insufficient to determine the role of this variant in disease. Therefore, it has been classified as a Variant of Uncertain Significance.

NM_000182.5(HADHA):c.791T>G (p.Leu264Trp)

Gene: HADHA (hydroxyacyl-CoA dehydrogenase trifunctional multienzyme complex subunit alpha; minus strand). Cytogenetic location: 2p23.3.
Variant type: single nucleotide variant.
Coding change: c.791T>G on transcript NM_000182.5 (MANE Select); coding-DNA position 791, T replaced by G.
Protein change: p.Leu264Trp; replaces leucine 264 with tryptophan.
Molecular consequence: missense variant.
Genome position (GRCh38, 1-based): chr2:26,215,061, A>C on the plus strand (T>G on the coding strand, the complement: HADHA is on the minus strand). VCF-style: chr2-26215061-A-C. GRCh37 (hg19) VCF-style: chr2-26437930-A-C.
Other names: short protein forms L264W.
Identifiers: ClinVar variation 4790576 (VCV004790576.1).